The following is an entry in ClinVar:

NM_004615.4(TSPAN7):c.237T>C (p.Ala79=)

Gene: TSPAN7 (tetraspanin 7; plus strand). Cytogenetic location: Xp11.4.
Variant type: single nucleotide variant.
Coding change: c.237T>C on transcript NM_004615.4 (MANE Select); coding-DNA position 237, T replaced by C.
Protein change: p.Ala79=; no amino-acid change (alanine 79 retained).
Molecular consequence: synonymous variant.
Genome position (GRCh38, 1-based): chrX:38,666,276, T>C. VCF-style: chrX-38666276-T-C. GRCh37 (hg19) VCF-style: chrX-38525530-T-C.
Identifiers: ClinVar variation 130644 (VCV000130644.19), dbSNP rs7049247, ClinGen allele CA155832.
Genomic context (GRCh38, chrX:38,666,276, plus strand): 5'-CTATGTGCTCATCGGAACTGGCACCACTATTGTTGTCTTTGGCCTGTTTGGATGCTTTGC[T>C]ACATGTCGTGGTAGCCCATGGATGCTGAAACTGGTGAGTATGTCACAACATAATACTGCT-3'
Protein context (NP_004606.2, residues 69-89): IVVFGLFGCF[Ala79=]TCRGSPWMLK

ClinVar aggregate classification (germline): Benign/Likely benign. Review status: criteria provided, multiple submitters, no conflicts (2 of 4 stars). 5 submissions from 5 submitters: Benign (3); Likely benign (1). 1 of the submissions does not count toward it. Last evaluated 2023-11-28.

Conditions:
Intellectual developmental disorder, X-linked 58. Also called: Intellectual disability, X-linked 58. Identifiers: Orphanet 777, MedGen C1846174, MONDO:0010266, OMIM 300210.

Allele frequency attached by ClinVar (database versions not stated): gnomAD exomes 0.00407 and 0.01189; ExAC 0.01526; gnomAD 0.04188 and 0.04476; 1000 Genomes Project 30x 0.04641; 1000 Genomes Project 0.04715; TOPMed 0.04765; ESP Exome Variant Server 0.05435.
gnomAD v4.1: 9,375 of 1,210,206 alleles (0.77%); highest among the groups gnomAD compares: African/African-American, 14%; 447 homozygotes.

Submissions (5):

ARUP Laboratories, Molecular Genetics and Genomics, ARUP Laboratories
Classification: Benign for Intellectual developmental disorder, X-linked 58. Last evaluated: 2023-11-28. Review status: criteria provided, single submitter. Criteria: ARUP Molecular Germline Variant Investigation Process 2024. Collection method: clinical testing. Allele origin: germline.

Fulgent Genetics
Classification: Likely benign for Intellectual developmental disorder, X-linked 58. Last evaluated: 2022-01-13. Review status: criteria provided, single submitter. Criteria: ACMG Guidelines, 2015. Collection method: clinical testing. Allele origin: unknown.

Ambry Genetics
Classification: Benign. Last evaluated: 2015-07-16. Review status: criteria provided, single submitter. Criteria: Ambry Variant Classification Scheme 2023. Collection method: clinical testing. Allele origin: germline.

Breakthrough Genomics
Classification: Benign. Review status: criteria provided, single submitter. Criteria: ACMG Guidelines, 2015. Collection method: not provided. Allele origin: germline. Inheritance: X-linked inheritance. Affected: yes.

Genetic Services Laboratory, University of Chicago
Classification: Likely benign for AllHighlyPenetrant. Review status: no assertion criteria provided. Collection method: clinical testing. Allele origin: germline. Inheritance: X-linked inheritance. Not counted in ClinVar's aggregate classification.
Comment: Likely benign based on allele frequency in 1000 Genomes Project or ESP global frequency and its presence in a patient with a rare or unrelated disease phenotype. NOT Sanger confirmed.